The following is an entry in ClinVar:

NM_001035.3(RYR2):c.11408_11411dup (p.Asp3804_Leu3805insTer)

Gene: RYR2 (ryanodine receptor 2; plus strand). Cytogenetic location: 1q43.
Variant type: Duplication.
Coding change: c.11408_11411dup on transcript NM_001035.3 (MANE Select); coding-DNA positions 11408 to 11411, 4 bases duplicated (TTGA; older notation c.11408_11411dupTTGA).
Protein change: p.Asp3804_Leu3805insTer.
Molecular consequence: nonsense, inframe insertion.
Genome position (GRCh38, 1-based): chr1:237,760,960-237,760,963, TTGA duplicated. VCF-style (leftmost placement, unchanged base first): chr1-237760959-C-CTTGA. GRCh37 (hg19) VCF-style: chr1-237924259-C-CTTGA.
Identifiers: ClinVar variation 4756537 (VCV004756537.1).

ClinVar aggregate classification (germline): Uncertain significance (1 of 4 stars; one submission).

Conditions:
Cardiomyopathy (CMYO). Also called: Cardiomyopathies. Identifiers: Orphanet 167848, MedGen C0878544, MONDO:0004994, HP:0001638. Inheritance: Various modes of inheritance.

Submission:

Color Diagnostics, LLC DBA Color Health
Classification: Uncertain significance for Cardiomyopathy. Last evaluated: 2025-09-23. Review status: criteria provided, single submitter. Criteria: ACMG Guidelines, 2015. Collection method: clinical testing. Allele origin: germline.
Comment: This variant inserts 4 nucleotides in exon 84 of the RYR2 gene, creating a frameshift and premature translation stop signal. This variant is expected to result in an absent or non-functional protein product. To our knowledge, this variant has not been reported in individuals affected with RYR2-related disorders in the literature. This variant has not been identified in the general population by the Genome Aggregation Database (gnomAD). The role of loss-of-function RYR2 truncation variants in autosomal dominant cardiovascular disorders is not clearly understood. The available evidence is insufficient to determine the role of this variant in disease conclusively. Therefore, this variant is classified as a Variant of Uncertain Significance.